The following is an entry in ClinVar:

NM_002900.3(RBP3):c.682G>A (p.Val228Met)

Gene: RBP3 (retinol binding protein 3; plus strand). Cytogenetic location: 10q11.22.
Variant type: single nucleotide variant.
Coding change: c.682G>A on transcript NM_002900.3 (MANE Select); coding-DNA position 682, G replaced by A.
Protein change: p.Val228Met; replaces valine 228 with methionine.
Molecular consequence: missense variant.
Genome position (GRCh38, 1-based): chr10:47,349,166, G>A. VCF-style: chr10-47349166-G-A. GRCh37 (hg19) VCF-style: chr10-48390196-C-T.
Other names: short protein forms V228M.
Identifiers: ClinVar variation 1007200 (VCV001007200.8), dbSNP rs1836904138, ClinGen allele CA376666007.

ClinVar aggregate classification (germline): Uncertain significance (1 of 4 stars; one submission).

Allele frequency attached by ClinVar (database versions not stated): gnomAD exomes below 0.00001.

Submission:

Labcorp Genetics (formerly Invitae), Labcorp
Classification: Uncertain significance. Last evaluated: 2022-02-08. Review status: criteria provided, single submitter. Criteria: Invitae Variant Classification Sherloc (09022015). Collection method: clinical testing. Allele origin: germline.
Comment: This sequence change replaces valine, which is neutral and non-polar, with methionine, which is neutral and non-polar, at codon 228 of the RBP3 protein (p.Val228Met). This variant is not present in population databases (gnomAD no frequency). This variant has not been reported in the literature in individuals affected with RBP3-related conditions. ClinVar contains an entry for this variant (Variation ID: 1007200). Algorithms developed to predict the effect of missense changes on protein structure and function are either unavailable or do not agree on the potential impact of this missense change (SIFT: "Deleterious"; PolyPhen-2: "Probably Damaging"; Align-GVGD: "Class C0"). In summary, the available evidence is currently insufficient to determine the role of this variant in disease. Therefore, it has been classified as a Variant of Uncertain Significance.